The following is an entry in ClinVar:

NM_001164508.2(NEB):c.20827T>C (p.Tyr6943His)

Gene: NEB (nebulin; minus strand). Cytogenetic location: 2q23.3.
Variant type: single nucleotide variant.
Coding change: c.20827T>C on transcript NM_001164508.2 (MANE Select); coding-DNA position 20827, T replaced by C.
Protein change: p.Tyr6943His; replaces tyrosine 6943 with histidine.
Molecular consequence: missense variant.
Genome position (GRCh38, 1-based): chr2:151,540,409, A>G on the plus strand (T>C on the coding strand, the complement: NEB is on the minus strand). VCF-style: chr2-151540409-A-G. GRCh37 (hg19) VCF-style: chr2-152396923-A-G.
Other names: c.20827T>C, p.Tyr6943His (NM_001164507.2, NM_001271208.2); c.15724T>C, p.Tyr5242His (NM_004543.5); short protein forms Y5242H, Y6943H.
Identifiers: ClinVar variation 1964063 (VCV001964063.2), dbSNP rs2552154962, ClinGen allele CA348777167.

ClinVar aggregate classification (germline): Uncertain significance (1 of 4 stars; one submission).

Conditions:
Nemaline myopathy 2 (NEM2). Also called: Nemaline myopathy 2, autosomal recessive. Identifiers: MedGen C1850569, MONDO:0009725, OMIM 256030.

Submission:

Labcorp Genetics (formerly Invitae), Labcorp
Classification: Uncertain significance for Nemaline myopathy 2. Last evaluated: 2021-08-23. Review status: criteria provided, single submitter. Criteria: Invitae Variant Classification Sherloc (09022015). Collection method: clinical testing. Allele origin: germline.
Comment: This sequence change replaces tyrosine with histidine at codon 6943 of the NEB protein (p.Tyr6943His). The tyrosine residue is moderately conserved and there is a moderate physicochemical difference between tyrosine and histidine. This variant is not present in population databases (ExAC no frequency). This variant has not been reported in the literature in individuals affected with NEB-related conditions. Algorithms developed to predict the effect of missense changes on protein structure and function are either unavailable or do not agree on the potential impact of this missense change (SIFT: "Deleterious"; PolyPhen-2: "Not Available"; Align-GVGD: "Class C0"). In summary, the available evidence is currently insufficient to determine the role of this variant in disease. Therefore, it has been classified as a Variant of Uncertain Significance.